The following is an entry in ClinVar:

ClinVar aggregate classification (germline): Uncertain significance (1 of 4 stars; one submission).

Submission:

Labcorp Genetics (formerly Invitae), Labcorp
Classification: Uncertain significance. Last evaluated: 2024-02-04. Review status: criteria provided, single submitter. Criteria: Invitae Variant Classification Sherloc (09022015). Collection method: clinical testing. Allele origin: germline.
Comment: This sequence change replaces tyrosine, which is neutral and polar, with serine, which is neutral and polar, at codon 90 of the ARL3 protein (p.Tyr90Ser). This variant is not present in population databases (gnomAD no frequency). This missense change has been observed in individual(s) with autosomal dominant retinitis pigmentosa (Invitae). An algorithm developed to predict the effect of missense changes on protein structure and function (PolyPhen-2) suggests that this variant is likely to be disruptive. This variant disrupts the p.Tyr90Cys amino acid residue in ARL3. Other variant(s) that disrupt this residue have been determined to be pathogenic (PMID: 26964041, 30932721). This suggests that this residue is clinically significant, and that variants that disrupt this residue are likely to be disease-causing. In summary, the available evidence is currently insufficient to determine the role of this variant in disease. Therefore, it has been classified as a Variant of Uncertain Significance.

Literature cited by the submitters: PubMed 26964041; PubMed 30932721.

NM_004311.4(ARL3):c.269A>C (p.Tyr90Ser)

Gene: ARL3 (ARF like GTPase 3; minus strand). Cytogenetic location: 10q24.32.
Variant type: single nucleotide variant.
Coding change: c.269A>C on transcript NM_004311.4 (MANE Select); coding-DNA position 269, A replaced by C.
Protein change: p.Tyr90Ser; replaces tyrosine 90 with serine.
Molecular consequence: missense variant.
Genome position (GRCh38, 1-based): chr10:102,689,939, T>G on the plus strand (A>C on the coding strand, the complement: ARL3 is on the minus strand). VCF-style: chr10-102689939-T-G. GRCh37 (hg19) VCF-style: chr10-104449696-T-G.
Other names: short protein forms Y90S.
Identifiers: ClinVar variation 2755801 (VCV002755801.3), dbSNP rs1564730440, ClinGen allele CA377922037.